The following is an entry in ClinVar:

ClinVar aggregate classification (germline): Uncertain significance (1 of 4 stars; one submission).

gnomAD v4.1: 3 of 1,614,204 alleles (0.00019%); highest among the groups gnomAD compares: Non-Finnish European, 0.00017%; no homozygotes.

Submission:

Labcorp Genetics (formerly Invitae), Labcorp
Classification: Uncertain significance. Last evaluated: 2025-04-28. Review status: criteria provided, single submitter. Criteria: Invitae Variant Classification Sherloc (09022015). Collection method: clinical testing. Allele origin: germline.
Comment: This sequence change replaces histidine, which is basic and polar, with arginine, which is basic and polar, at codon 596 of the AGBL5 protein (p.His596Arg). This variant is not present in population databases (gnomAD no frequency). This variant has not been reported in the literature in individuals affected with AGBL5-related conditions. ClinVar contains an entry for this variant (Variation ID: 1971443). An algorithm developed to predict the effect of missense changes on protein structure and function (PolyPhen-2) suggests that this variant is likely to be tolerated. In summary, the available evidence is currently insufficient to determine the role of this variant in disease. Therefore, it has been classified as a Variant of Uncertain Significance.

NM_021831.6(AGBL5):c.1787A>G (p.His596Arg)

Gene: AGBL5 (AGBL carboxypeptidase 5; plus strand). Cytogenetic location: 2p23.3.
Variant type: single nucleotide variant.
Coding change: c.1787A>G on transcript NM_021831.6 (MANE Select); coding-DNA position 1787, A replaced by G.
Protein change: p.His596Arg; replaces histidine 596 with arginine.
Molecular consequence: missense variant. On other transcripts: non-coding transcript variant (2).
Genome position (GRCh38, 1-based): chr2:27,058,515, A>G. VCF-style: chr2-27058515-A-G. GRCh37 (hg19) VCF-style: chr2-27281383-A-G.
Other names: c.1787A>G, p.His596Arg (NM_001035506.1, NM_001035507.3); short protein forms H596R.
Identifiers: ClinVar variation 1971443 (VCV001971443.5), dbSNP rs149289474, ClinGen allele CA44465219.